The following is an entry in ClinVar:

ClinVar aggregate classification (germline): Uncertain significance (1 of 4 stars; one submission).

Submission:

Women's Health and Genetics/Laboratory Corporation of America, LabCorp
Classification: Uncertain significance. Last evaluated: 2024-08-16. Review status: criteria provided, single submitter. Criteria: LabCorp Variant Classification Summary - May 2015. Collection method: clinical testing. Allele origin: germline.
Comment: Variant summary: The variant involves the deletion of exon 4 in the RBFOX1 gene (NM_018723.4). A presumed nomenclature of c.(-16+1_-15-1)_(27+1_28-1)del has been designated for the purposes of this classification. Although the exact breakpoints of this deletion are not known, it is predicted to remove the initiation codon and result in an absence of protein or a truncation of the encoded protein due to translation initiation at a downstream site. Current evidence is not sufficient to establish loss of function as a mechanism for disease. The variant allele was found at a frequency of 4.6e-05 in 21644 control chromosomes (gnomAD Structural Variants dataset v2.1). The available data on variant occurrences in the general population are insufficient to allow any conclusion about variant significance. Similar deletion variants encompassing RBFOX1 exon 4 have been reported in the literature in at least one individual affected with intellectual disability (e.g., Dai_2021) and one individual affected with schizophrenia (e.g., Mojarad_2021), however without strong evidence for causality (e.g., lack of co-segregation data). These report(s) do not provide unequivocal conclusions about association of the variant with RBFOX1-Related Disorders. To our knowledge, no experimental evidence demonstrating an impact on protein function has been reported. The following publications have been ascertained in the context of this evaluation (PMID: 34630504, 33526774). ClinVar contains several entries for similar deletion variants (Variation ID: 685700, 1526489, 443082). Based on the evidence outlined above, the variant was classified as uncertain significance.

Literature cited by the submitters: PubMed 33526774; PubMed 34630504.

NC_000016.9:g.(6704652_7102057)_(7102100_7568148)del

Gene: RBFOX1 (RNA binding fox-1 homolog 1; plus strand). Cytogenetic location: 16p13.3.
Variant type: Deletion.
Identifiers: ClinVar variation 3366751 (VCV003366751.1).